The following is an entry in ClinVar:

ClinVar aggregate classification (germline): Uncertain significance. Review status: criteria provided, multiple submitters, no conflicts (2 of 4 stars). 3 submissions from 3 submitters: Uncertain significance (3). Last evaluated 2024-10-30.

Conditions:
TBX1-related disorder. Also called: TBX1-Related Disorders; TBX1-related condition.
DiGeorge syndrome. Also called: Catch22; THIRD AND FOURTH PHARYNGEAL POUCH SYNDROME. Identifiers: Orphanet 567, MedGen C0012236, MONDO:0008564, OMIM 188400.

Submissions (3):

Labcorp Genetics (formerly Invitae), Labcorp
Classification: Uncertain significance for DiGeorge syndrome. Last evaluated: 2024-10-30. Review status: criteria provided, single submitter. Criteria: Invitae Variant Classification Sherloc (09022015). Collection method: clinical testing. Allele origin: germline.
Comment: This sequence change replaces alanine, which is neutral and non-polar, with valine, which is neutral and non-polar, at codon 353 of the TBX1 protein (p.Ala353Val). The frequency data for this variant in the population databases is considered unreliable, as metrics indicate poor data quality at this position in the gnomAD database. This variant has not been reported in the literature in individuals affected with TBX1-related conditions. ClinVar contains an entry for this variant (Variation ID: 2634025). An algorithm developed to predict the effect of missense changes on protein structure and function (PolyPhen-2) suggests that this variant is likely to be tolerated. In summary, the available evidence is currently insufficient to determine the role of this variant in disease. Therefore, it has been classified as a Variant of Uncertain Significance.

GeneDx
Classification: Uncertain significance. Last evaluated: 2024-09-13. Review status: criteria provided, single submitter. Criteria: GeneDx Variant Classification Process June 2021. Collection method: clinical testing. Allele origin: germline. Affected: yes.
Comment: In silico analysis supports a deleterious effect on protein structure/function; Has not been previously published as pathogenic or benign to our knowledge

PreventionGenetics, part of Exact Sciences
Classification: Uncertain significance for TBX1-related condition. Last evaluated: 2023-09-28. Review status: criteria provided, single submitter. Criteria: ACMG Guidelines, 2015. Collection method: clinical testing. Allele origin: germline.
Comment: The TBX1 c.1058_1059delinsTG variant is predicted to result in an in-frame deletion and insertion. To our knowledge, this variant has not been reported in the literature or in a large population database, indicating this variant is rare. At this time, the clinical significance of this variant is uncertain due to the absence of conclusive functional and genetic evidence.

NM_001379200.1(TBX1):c.1085_1086inv (p.Ala362Val)

Gene: TBX1 (T-box transcription factor 1; plus strand). Cytogenetic location: 22q11.21.
Variant type: Inversion.
Coding change: c.1085_1086inv on transcript NM_001379200.1 (MANE Select).
Protein change: p.Ala362Val; replaces alanine 362 with valine.
Molecular consequence: missense variant. On other transcripts: intron variant (2).
Genome position: GRCh38 VCF-style: chr22-19766437-CA-TG. GRCh37 (hg19) VCF-style: chr22-19753960-CA-TG.
Other names: c.1058_1059inv, p.Ala353Val (NM_080647.1); c.1009+435_1009+436inv (NM_005992.1, NM_080646.2); c.1058_1059delinsTG (NM_080647.1); short protein forms A353V, A362V.
Identifiers: ClinVar variation 2634025 (VCV002634025.4), ClinGen allele CA2695200064.